The following is an entry in ClinVar:

NM_000540.3(RYR1):c.13464G>A (p.Pro4488=)

Gene: RYR1 (ryanodine receptor 1; plus strand). Cytogenetic location: 19q13.2.
Variant type: single nucleotide variant.
Coding change: c.13464G>A on transcript NM_000540.3 (MANE Select); coding-DNA position 13464, G replaced by A.
Protein change: p.Pro4488=; no amino-acid change (proline 4488 retained).
Molecular consequence: synonymous variant.
Genome position (GRCh38, 1-based): chr19:38,566,937, G>A. VCF-style: chr19-38566937-G-A. GRCh37 (hg19) VCF-style: chr19-39057577-G-A.
Other names: c.13449G>A, p.Pro4483= (NM_001042723.2).
Identifiers: ClinVar variation 159835 (VCV000159835.29), dbSNP rs10405232, ClinGen allele CA024045.

ClinVar aggregate classification (germline): Benign/Likely benign. Review status: criteria provided, multiple submitters, no conflicts (2 of 4 stars). 10 submissions from 10 submitters: Benign (7); Likely benign (3). Last evaluated 2026-07-01.

Conditions:
RYR1-related disorder. Also called: RYR1-related condition; RYR1-related disorders. Identifiers: MedGen CN239331.
Inborn genetic diseases. Identifiers: MedGen C0950123, MeSH D030342.
Malignant hyperthermia, susceptibility to, 1 (MHS1). Also called: Anesthesia related hyperthermia; Malignant hyperpyrexia; Fulminating hyperpyrexia; Pharmacogenic myopathy; Malignant hyperthermia suceptibility 1; RYR1-Related Malignant Hyperthermia Susceptibility. Identifiers: Orphanet 423, MedGen C2930980, MONDO:0007783, OMIM 145600.

Allele frequency attached by ClinVar (database versions not stated): gnomAD exomes 0.00192; TOPMed 0.00885; ExAC 0.00437; gnomAD 0.00745 and 0.00800; ESP Exome Variant Server 0.00869; 1000 Genomes Project 30x 0.00890; 1000 Genomes Project 0.00819.
gnomAD v4.1: 2,182 of 1,605,876 alleles (0.14%); highest among the groups gnomAD compares: African/African-American, 2.5%; 23 homozygotes.

Submissions (10):

Ambry Genetics
Classification: Likely benign for Inborn genetic diseases. Last evaluated: 2026-07-01. Review status: criteria provided, single submitter. Criteria: Ambry Variant Classification Scheme 2023. Collection method: clinical testing. Allele origin: germline.

Labcorp Genetics (formerly Invitae), Labcorp
Classification: Benign for RYR1-related disorder. Last evaluated: 2026-01-26. Review status: criteria provided, single submitter. Criteria: Invitae Variant Classification Sherloc (09022015). Collection method: clinical testing. Allele origin: germline.

Blueprint Genetics
Classification: Likely benign. Last evaluated: 2024-11-28. Review status: criteria provided, single submitter. Criteria: ACMG Guidelines, 2015. Collection method: clinical testing. Allele origin: germline.

All of Us Research Program, National Institutes of Health
Classification: Benign for Malignant hyperthermia, susceptibility to, 1. Last evaluated: 2024-02-05. Review status: criteria provided, single submitter. Criteria: ACMG Guidelines, 2015. Collection method: clinical testing. Allele origin: germline. Inheritance: Autosomal dominant inheritance. Observed: 495 variant alleles, 492 heterozygotes, 3 homozygotes.
Comment: This study involves interpretation of variants in research participants for the purpose of population health screening. Participant phenotype was not available at the time of variant classification. Additional details can be found in publication PMID: 35346344, PMCID: PMC8962531

Color Diagnostics, LLC DBA Color Health
Classification: Benign for Malignant hyperthermia, susceptibility to, 1. Last evaluated: 2022-04-29. Review status: criteria provided, single submitter. Criteria: ACMG Guidelines, 2015. Collection method: clinical testing. Allele origin: germline.

PreventionGenetics, part of Exact Sciences
Classification: Benign. Last evaluated: 2018-01-16. Review status: criteria provided, single submitter. Criteria: ACMG Guidelines, 2015. Collection method: clinical testing. Allele origin: germline.

GeneDx
Classification: Benign. Last evaluated: 2017-04-07. Review status: criteria provided, single submitter. Criteria: GeneDx Variant Classification (06012015). Collection method: clinical testing. Allele origin: germline. Affected: yes.
Comment: This variant is considered likely benign or benign based on one or more of the following criteria: it is a conservative change, it occurs at a poorly conserved position in the protein, it is predicted to be benign by multiple in silico algorithms, and/or has population frequency not consistent with disease.

Eurofins Ntd Llc (ga)
Classification: Benign. Last evaluated: 2014-04-29. Review status: criteria provided, single submitter. Criteria: EGL Classification Definitions 2015. Collection method: clinical testing. Allele origin: germline. Observed: 1 variant allele, 1 heterozygote.

Genetic Services Laboratory, University of Chicago
Classification: Benign. Last evaluated: 2013-03-04. Review status: criteria provided, single submitter. Criteria: ACMG Guidelines, 2007. Collection method: clinical testing. Allele origin: germline. Inheritance: Autosomal unknown.

Breakthrough Genomics
Classification: Likely benign. Review status: criteria provided, single submitter. Criteria: ACMG Guidelines, 2015. Collection method: not provided. Allele origin: germline. Inheritance: Autosomal recessive inheritance. Affected: yes.